The following is an entry in ClinVar:

NM_004370.6(COL12A1):c.1771C>G (p.Pro591Ala)

Gene: COL12A1 (collagen type XII alpha 1 chain; minus strand). Cytogenetic location: 6q13.
Variant type: single nucleotide variant.
Coding change: c.1771C>G on transcript NM_004370.6 (MANE Select); coding-DNA position 1771, C replaced by G.
Protein change: p.Pro591Ala; replaces proline 591 with alanine.
Molecular consequence: missense variant. On other transcripts: intron variant (2).
Genome position (GRCh38, 1-based): chr6:75,183,170, G>C on the plus strand (C>G on the coding strand, the complement: COL12A1 is on the minus strand). VCF-style: chr6-75183170-G-C. GRCh37 (hg19) VCF-style: chr6-75892886-G-C.
Other names: c.1771C>G, p.Pro591Ala (NM_001424113.1, NM_001424114.1, NM_001424115.1); c.73+19550C>G (NM_001424116.1, NM_080645.3); short protein forms P591A.
Identifiers: ClinVar variation 3751113 (VCV003751113.2).
Genomic context (GRCh38, chr6:75,183,170, plus strand): 5'-CAAAAGATATCCTCTGAAAAGCATCAAAATCTTCCACTGTGAACACATGGGTCTCTGCAG[G>C]AGGAGAGGCAATAGCTTCCAATTCTGAGCGAACGGCATCCTTCACACCAACTGCAAAGAT-3'
Protein context (NP_004361.3, residues 581-601): RSELEAIASP[Pro591Ala]AETHVFTVED

ClinVar aggregate classification (germline): Uncertain significance (1 of 4 stars; one submission).

Conditions:
Ullrich congenital muscular dystrophy 2 (UCMD2). Identifiers: Orphanet 75840, MedGen C4225314, MONDO:0014654, OMIM 616470.
Bethlem myopathy 2 (BTHLM2). Identifiers: Orphanet 536516, Orphanet 610, MedGen C4225313, MONDO:0034022, OMIM 616471.

Submission:

Labcorp Genetics (formerly Invitae), Labcorp
Classification: Uncertain significance for Bethlem myopathy 2; Ullrich congenital muscular dystrophy 2. Last evaluated: 2025-01-13. Review status: criteria provided, single submitter. Criteria: Invitae Variant Classification Sherloc (09022015). Collection method: clinical testing. Allele origin: germline.
Comment: This sequence change replaces proline, which is neutral and non-polar, with alanine, which is neutral and non-polar, at codon 591 of the COL12A1 protein (p.Pro591Ala). This variant is not present in population databases (gnomAD no frequency). This variant has not been reported in the literature in individuals affected with COL12A1-related conditions. Invitae Evidence Modeling of protein sequence and biophysical properties (such as structural, functional, and spatial information, amino acid conservation, physicochemical variation, residue mobility, and thermodynamic stability) indicates that this missense variant is not expected to disrupt COL12A1 protein function with a negative predictive value of 80%. In summary, the available evidence is currently insufficient to determine the role of this variant in disease. Therefore, it has been classified as a Variant of Uncertain Significance.